The following is an entry in ClinVar:

ClinVar aggregate classification (germline): Uncertain significance (1 of 4 stars; one submission).

Conditions:
TNC-related disorder. Also called: TNC-related condition.

gnomAD v4.1: 7 of 1,613,442 alleles (0.00043%); highest among the groups gnomAD compares: Middle Eastern, 0.016%; no homozygotes.

Submission:

PreventionGenetics, part of Exact Sciences
Classification: Uncertain significance for TNC-related condition. Last evaluated: 2026-08-17. Review status: criteria provided, single submitter. Criteria: ACMG Guidelines, 2015. Collection method: clinical testing. Allele origin: germline.
Comment: The TNC c.5699C>T variant is predicted to result in the amino acid substitution p.Ser1900Leu. To our knowledge, this variant has not been reported in the literature. This variant is reported in 0.0085% of alleles in individuals of Latino descent in gnomAD. At this time, the clinical significance of this variant is uncertain due to the absence of conclusive functional and genetic evidence.

NM_002160.4(TNC):c.5699C>T (p.Ser1900Leu)

Gene: TNC (tenascin C; minus strand). Cytogenetic location: 9q33.1.
Variant type: single nucleotide variant.
Coding change: c.5699C>T on transcript NM_002160.4 (MANE Select); coding-DNA position 5699, C replaced by T.
Protein change: p.Ser1900Leu; replaces serine 1900 with leucine.
Molecular consequence: missense variant.
Genome position (GRCh38, 1-based): chr9:115,035,292, G>A on the plus strand (C>T on the coding strand, the complement: TNC is on the minus strand). VCF-style: chr9-115035292-G-A. GRCh37 (hg19) VCF-style: chr9-117797571-G-A.
Other names: c.5153C>T, p.Ser1718Leu (NM_001410991.1, NM_001439083.1, NM_001439084.1 and 2 more transcripts); c.6248C>T, p.Ser2083Leu (NM_001439065.1, NM_001439066.1, NM_001439067.1); c.5975C>T, p.Ser1992Leu (NM_001439068.1, NM_001439069.1, NM_001439070.1); c.5972C>T, p.Ser1991Leu (NM_001439071.1); c.5702C>T, p.Ser1901Leu (NM_001439072.1, NM_001439073.1); c.5699C>T, p.Ser1900Leu (NM_001439074.1, NM_001439075.1, NM_001439076.1); c.5426C>T, p.Ser1809Leu (NM_001439077.1, NM_001439078.1, NM_001439079.1 and 3 more transcripts); c.4880C>T, p.Ser1627Leu (NM_001439087.1, NM_001439088.1); and 4 more; short protein forms S1445L, S1536L, S1809L, S1991L, S1263L, S1354L, S1900L, S1992L.
Identifiers: ClinVar variation 4980076 (VCV004980076.1).